The following is an entry in ClinVar:

ClinVar aggregate classification (germline): Uncertain significance (1 of 4 stars; one submission).

Conditions:
Nemaline myopathy 2 (NEM2). Also called: Nemaline myopathy 2, autosomal recessive. Identifiers: MedGen C1850569, MONDO:0009725, OMIM 256030.

gnomAD v4.1: 4 of 1,611,214 alleles (0.00025%); highest among the groups gnomAD compares: South Asian, 0.0011%; no homozygotes.

Submission:

Labcorp Genetics (formerly Invitae), Labcorp
Classification: Uncertain significance for Nemaline myopathy 2. Last evaluated: 2022-02-24. Review status: criteria provided, single submitter. Criteria: Invitae Variant Classification Sherloc (09022015). Collection method: clinical testing. Allele origin: germline.
Comment: This sequence change replaces tyrosine, which is neutral and polar, with cysteine, which is neutral and slightly polar, at codon 7283 of the NEB protein (p.Tyr7283Cys). This variant is not present in population databases (gnomAD no frequency). This variant has not been reported in the literature in individuals affected with NEB-related conditions. Algorithms developed to predict the effect of missense changes on protein structure and function are either unavailable or do not agree on the potential impact of this missense change (SIFT: "Deleterious"; PolyPhen-2: "Not Available"; Align-GVGD: "Class C0"). Algorithms developed to predict the effect of sequence changes on RNA splicing suggest that this variant may create or strengthen a splice site. In summary, the available evidence is currently insufficient to determine the role of this variant in disease. Therefore, it has been classified as a Variant of Uncertain Significance.

NM_001164508.2(NEB):c.21743A>G (p.Tyr7248Cys)

Genes: NEB (nebulin; minus strand), RIF1 (replication timing regulatory factor 1; plus strand). Cytogenetic location: 2q23.3.
Variant type: single nucleotide variant.
Coding change: c.21743A>G on transcript NM_001164508.2 (MANE Select); coding-DNA position 21743, A replaced by G.
Protein change: p.Tyr7248Cys; replaces tyrosine 7248 with cysteine.
Molecular consequence: missense variant.
Genome position (GRCh38, 1-based): chr2:151,527,578, T>C on the plus strand (A>G on the coding strand, the complement: NEB is on the minus strand). VCF-style: chr2-151527578-T-C. GRCh37 (hg19) VCF-style: chr2-152384092-T-C.
Other names: c.21743A>G, p.Tyr7248Cys (NM_001164507.2); c.21848A>G, p.Tyr7283Cys (NM_001271208.2); c.16640A>G, p.Tyr5547Cys (NM_004543.5); short protein forms Y5547C, Y7248C, Y7283C.
Identifiers: ClinVar variation 1375309 (VCV001375309.5), dbSNP rs2153463102, ClinGen allele CA348769144.